The following is an entry in ClinVar:

ClinVar aggregate classification (germline): Uncertain significance. Review status: criteria provided, multiple submitters, no conflicts (2 of 4 stars). 7 submissions from 7 submitters: Uncertain significance (6). 1 of the submissions does not count toward it. Last evaluated 2026-09-03.

Conditions:
BBS1-related disorder. Also called: BBS1-related condition.
Bardet-Biedl syndrome 1 (BBS1). Identifiers: MedGen C2936862, MONDO:0008854, OMIM 209900. Disease mechanism: loss of function.
Bardet-Biedl syndrome (BBS). Identifiers: Orphanet 110, MedGen C0752166, MONDO:0015229.

Allele frequency attached by ClinVar (database versions not stated): gnomAD exomes 0.00001 and 0.00002; ExAC 0.00002; gnomAD 0.00004; TOPMed 0.00007; ESP Exome Variant Server 0.00015.
gnomAD v4.1: 25 of 1,614,132 alleles (0.0015%); highest among the groups gnomAD compares: African/African-American, 0.019%; 1 homozygote.

Submissions (7):

PreventionGenetics, part of Exact Sciences
Classification: Uncertain significance for BBS1-related condition. Last evaluated: 2026-09-03. Review status: criteria provided, single submitter. Criteria: ACMG Guidelines, 2015. Collection method: clinical testing. Allele origin: germline.
Comment: The BBS1 c.175C>G variant is predicted to result in the amino acid substitution p.Leu59Val. To our knowledge, this variant has not been reported in the literature. This variant is reported in 0.020% of alleles in individuals of African descent in gnomAD. At this time, the clinical significance of this variant is uncertain due to the absence of conclusive functional and genetic evidence.

Dasa
Classification: Uncertain significance. Last evaluated: 2025-04-05. Review status: criteria provided, single submitter. Criteria: DASA Assertion Criteria. Collection method: clinical testing. Allele origin: germline.
Comment: NM_024649.5(BBS1):c.175C>G (p.Leu59Val) is a missense variant that results in the substitution of leucine with valine. This variant is rare in population databases. The currently available literature and clinical evidence are not sufficient to establish a definitive association between this variant and the reported condition. Therefore, this variant is classified as a variant of uncertain significance.

Blueprint Genetics
Classification: Uncertain significance. Last evaluated: 2024-05-13. Review status: criteria provided, single submitter. Criteria: ACMG Guidelines, 2015. Collection method: clinical testing. Allele origin: germline.

Labcorp Genetics (formerly Invitae), Labcorp
Classification: Uncertain significance for Bardet-Biedl syndrome. Last evaluated: 2022-10-03. Review status: criteria provided, single submitter. Criteria: Invitae Variant Classification Sherloc (09022015). Collection method: clinical testing. Allele origin: germline.
Comment: This sequence change replaces leucine, which is neutral and non-polar, with valine, which is neutral and non-polar, at codon 59 of the BBS1 protein (p.Leu59Val). This variant is present in population databases (rs113822005, gnomAD 0.02%). This variant has not been reported in the literature in individuals affected with BBS1-related conditions. ClinVar contains an entry for this variant (Variation ID: 942786). Advanced modeling of protein sequence and biophysical properties (such as structural, functional, and spatial information, amino acid conservation, physicochemical variation, residue mobility, and thermodynamic stability) performed at Invitae indicates that this missense variant is not expected to disrupt BBS1 protein function. In summary, the available evidence is currently insufficient to determine the role of this variant in disease. Therefore, it has been classified as a Variant of Uncertain Significance.

Fulgent Genetics
Classification: Uncertain significance for Bardet-Biedl syndrome 1. Last evaluated: 2022-02-03. Review status: criteria provided, single submitter. Criteria: ACMG Guidelines, 2015. Collection method: clinical testing. Allele origin: unknown.

Genetic Services Laboratory, University of Chicago
Classification: Uncertain significance. Last evaluated: 2021-07-16. Review status: criteria provided, single submitter. Criteria: ACMG Guidelines, 2015. Collection method: clinical testing. Allele origin: germline. Affected: no.
Comment: DNA sequence analysis of the BBS1 gene demonstrated a sequence change, c.175C>G, in exon 4 that results in an amino acid change, p.Leu59Val. This sequence change has been described in the gnomAD database with a frequency of 0.02% in the African/African American subpopulation (dbSNP rs113822005). The p.Leu59Val change affects a highly conserved amino acid residue located in a domain of the BBS1 protein that is not known to be functional. In-silico pathogenicity prediction tools (SIFT, PolyPhen2, Align GVGD, REVEL) provide contradictory results for the p.Leu59Val substitution. This sequence change does not appear to have been previously described in individuals with BBS1-related disorders. Due to insufficient evidences and the lack of functional studies, the clinical significance of the p.Leu59Val change remains unknown at this time.

Natera, Inc.
Classification: Uncertain significance for Bardet-Biedl syndrome type 1. Last evaluated: 2020-11-04. Review status: no assertion criteria provided. Collection method: clinical testing. Allele origin: germline. Not counted in ClinVar's aggregate classification.

NM_024649.5(BBS1):c.175C>G (p.Leu59Val)

Gene: BBS1 (Bardet-Biedl syndrome 1; plus strand). Cytogenetic location: 11q13.2.
Variant type: single nucleotide variant.
Coding change: c.175C>G on transcript NM_024649.5 (MANE Select); coding-DNA position 175, C replaced by G.
Protein change: p.Leu59Val; replaces leucine 59 with valine.
Molecular consequence: missense variant.
Genome position (GRCh38, 1-based): chr11:66,514,421, C>G. VCF-style: chr11-66514421-C-G. GRCh37 (hg19) VCF-style: chr11-66281892-C-G.
Other names: short protein forms L59V.
Identifiers: ClinVar variation 942786 (VCV000942786.12), dbSNP rs113822005, ClinGen allele CA6123284.